The following is an entry in ClinVar:

NM_199355.4(ADAMTS18):c.1048C>T (p.Gln350Ter)

Gene: ADAMTS18 (ADAM metallopeptidase with thrombospondin type 1 motif 18; minus strand). Cytogenetic location: 16q23.1.
Variant type: single nucleotide variant.
Coding change: c.1048C>T on transcript NM_199355.4 (MANE Select); coding-DNA position 1048, C replaced by T.
Protein change: p.Gln350Ter; replaces glutamine 350 with a stop codon.
Molecular consequence: nonsense.
Genome position (GRCh38, 1-based): chr16:77,363,810, G>A on the plus strand (C>T on the coding strand, the complement: ADAMTS18 is on the minus strand). VCF-style: chr16-77363810-G-A. GRCh37 (hg19) VCF-style: chr16-77397707-G-A.
Other names: c.532C>T, p.Gln178Ter (NM_001326358.2); c.1048C>T (NM_199355.3); short protein forms Q350*, Q178*.
Identifiers: ClinVar variation 1375282 (VCV001375282.5), dbSNP rs935159456, ClinGen allele CA284437252.

ClinVar aggregate classification (germline): Pathogenic/Likely pathogenic. Review status: criteria provided, multiple submitters, no conflicts (2 of 4 stars). 2 submissions from 2 submitters: Pathogenic (1); Likely pathogenic (1). Last evaluated 2024-05-02.

Conditions:
ADAMTS18-related disorder. Also called: ADAMTS18-related condition.

Allele frequency attached by ClinVar (database versions not stated): TOPMed below 0.00001.
gnomAD v4.1: 1 of 1,613,826 alleles (0.000062%); highest among the groups gnomAD compares: Admixed American, 0.0017%; no homozygotes.

Submissions (2):

Labcorp Genetics (formerly Invitae), Labcorp
Classification: Pathogenic. Last evaluated: 2024-05-02. Review status: criteria provided, single submitter. Criteria: Invitae Variant Classification Sherloc (09022015). Collection method: clinical testing. Allele origin: germline.
Comment: This sequence change creates a premature translational stop signal (p.Gln350*) in the ADAMTS18 gene. It is expected to result in an absent or disrupted protein product. Loss-of-function variants in ADAMTS18 are known to be pathogenic (PMID: 23818446, 24874986). This variant is present in population databases (no rsID available, gnomAD 0.003%). This variant has not been reported in the literature in individuals affected with ADAMTS18-related conditions. ClinVar contains an entry for this variant (Variation ID: 1375282). For these reasons, this variant has been classified as Pathogenic.

PreventionGenetics, part of Exact Sciences
Classification: Likely pathogenic for ADAMTS18-related condition. Last evaluated: 2022-09-23. Review status: criteria provided, single submitter. Criteria: ACMG Guidelines, 2015. Collection method: clinical testing. Allele origin: germline.
Comment: The ADAMTS18 c.1048C>T variant is predicted to result in premature protein termination (p.Gln350*). To our knowledge, this variant has not been reported in literature. This variant is reported in 0.0029% of alleles in individuals of Latino descent in gnomAD. Nonsense variants in ADAMTS18 are expected to be pathogenic. This variant is interpreted as likely pathogenic.

Literature cited by the submitters: PubMed 23818446 (cited by Labcorp Genetics (formerly Invitae), Labcorp); PubMed 24874986 (cited by Labcorp Genetics (formerly Invitae), Labcorp).